The following is an entry in ClinVar:

ClinVar aggregate classification (germline): Uncertain significance (1 of 4 stars; one submission).

gnomAD v4.1: 2 of 1,560,828 alleles (0.00013%); highest among the groups gnomAD compares: South Asian, 0.0012%; no homozygotes.

Submission:

Labcorp Genetics (formerly Invitae), Labcorp
Classification: Uncertain significance. Last evaluated: 2024-01-11. Review status: criteria provided, single submitter. Criteria: Invitae Variant Classification Sherloc (09022015). Collection method: clinical testing. Allele origin: germline.
Comment: This sequence change falls in intron 12 of the CTNNA1 gene. It does not directly change the encoded amino acid sequence of the CTNNA1 protein. It affects a nucleotide within the consensus splice site. This variant is not present in population databases (gnomAD no frequency). This variant has not been reported in the literature in individuals affected with CTNNA1-related conditions. Variants that disrupt the consensus splice site are a relatively common cause of aberrant splicing (PMID: 17576681, 9536098). Algorithms developed to predict the effect of sequence changes on RNA splicing suggest that this variant is not likely to affect RNA splicing. In summary, the available evidence is currently insufficient to determine the role of this variant in disease. Therefore, it has been classified as a Variant of Uncertain Significance.

Literature cited by the submitters: PubMed 17576681; PubMed 9536098.

NM_001903.5(CTNNA1):c.1747+5G>T

Gene: CTNNA1 (catenin alpha 1; plus strand). Cytogenetic location: 5q31.2.
Variant type: single nucleotide variant.
Coding change: c.1747+5G>T on transcript NM_001903.5 (MANE Select); 5 bases into the intron after coding-DNA position 1747, G replaced by T.
Molecular consequence: intron variant.
Genome position (GRCh38, 1-based): chr5:138,924,715, G>T. VCF-style: chr5-138924715-G-T. GRCh37 (hg19) VCF-style: chr5-138260404-G-T.
Other names: c.1747+5G>T (NM_001323982.2, NM_001323984.2, NM_001290307.3 and 2 more transcripts); c.1654+5G>T (NM_001323986.2); c.1378+5G>T (NM_001290310.3); c.1438+5G>T (NM_001290309.3); c.637+5G>T (NM_001323996.1, NM_001323993.1, NM_001324005.1 and 17 more transcripts); c.298+5G>T (NM_001324007.1, NM_001324009.1, NM_001324006.1 and 2 more transcripts); c.394+5G>T (NM_001324013.1, NM_001324012.1); c.544+5G>T (NM_001324011.1).
Identifiers: ClinVar variation 2799858 (VCV002799858.3), dbSNP rs377182398, ClinGen allele CA2675499152.